The following is an entry in ClinVar:

NM_004629.2(FANCG):c.1243A>C (p.Thr415Pro)

Gene: FANCG (FA complementation group G; minus strand). Cytogenetic location: 9p13.3.
Variant type: single nucleotide variant.
Coding change: c.1243A>C on transcript NM_004629.2 (MANE Select); coding-DNA position 1243, A replaced by C.
Protein change: p.Thr415Pro; replaces threonine 415 with proline.
Molecular consequence: missense variant.
Genome position (GRCh38, 1-based): chr9:35,075,655, T>G on the plus strand (A>C on the coding strand, the complement: FANCG is on the minus strand). VCF-style: chr9-35075655-T-G. GRCh37 (hg19) VCF-style: chr9-35075652-T-G.
Other names: short protein forms T415P.
Identifiers: ClinVar variation 3848455 (VCV003848455.1).

ClinVar aggregate classification (germline): Uncertain significance (1 of 4 stars; one submission).

Conditions:
Inborn genetic diseases. Identifiers: MedGen C0950123, MeSH D030342.

Submission:

Ambry Genetics
Classification: Uncertain significance for Inborn genetic diseases. Last evaluated: 2025-03-01. Review status: criteria provided, single submitter. Criteria: Ambry Variant Classification Scheme 2023. Collection method: clinical testing. Allele origin: germline.
Comment: The p.T415P variant (also known as c.1243A>C), located in coding exon 10 of the FANCG gene, results from an A to C substitution at nucleotide position 1243. The threonine at codon 415 is replaced by proline, an amino acid with highly similar properties. This amino acid position is conserved. In addition, this alteration is predicted to be tolerated by in silico analysis. Based on the available evidence, the clinical significance of this variant remains unclear.